The following is an entry in ClinVar:

NM_004360.5(CDH1):c.-26C>T

Genes: CDH1 (cadherin 1; plus strand), LOC130059290 (ATAC-STARR-seq lymphoblastoid silent region 7650; plus strand). Cytogenetic location: 16q22.1.
Variant type: single nucleotide variant.
Coding change: c.-26C>T on transcript NM_004360.5 (MANE Select); 26 bases upstream of the start codon, C replaced by T.
Molecular consequence: 5 prime UTR variant.
Genome position (GRCh38, 1-based): chr16:68,737,390, C>T. VCF-style: chr16-68737390-C-T. GRCh37 (hg19) VCF-style: chr16-68771293-C-T.
Other names: c.-26C>T (LRG_301t1, NM_001317184.2); c.-1641C>T (NM_001317185.2); c.-1845C>T (NM_001317186.2).
Identifiers: ClinVar variation 182365 (VCV000182365.1), dbSNP rs730881643, ClinGen allele CA298920.

ClinVar aggregate classification (germline): Likely benign (1 of 4 stars; one submission).

Allele frequency attached by ClinVar (database versions not stated): gnomAD exomes 0.00005 and 0.00014; ExAC 0.00059; TOPMed 0.00001; gnomAD 0.00003.
gnomAD v4.1: 77 of 1,529,470 alleles (0.005%); highest among the groups gnomAD compares: South Asian, 0.073%; 1 homozygote.

Submission:

GeneDx
Classification: Likely benign. Last evaluated: 2015-05-18. Review status: criteria provided, single submitter. Criteria: GeneDx Variant Classification (06012015). Collection method: clinical testing. Allele origin: germline. Affected: yes.
Comment: This variant is considered likely benign or benign based on one or more of the following criteria: it is a conservative change, it occurs at a poorly conserved position in the protein, it is predicted to be benign by multiple in silico algorithms, and/or has population frequency not consistent with disease.